The following is an entry in ClinVar:

ClinVar aggregate classification (germline): Uncertain significance (1 of 4 stars; one submission).

Allele frequency attached by ClinVar (database versions not stated): gnomAD exomes 0.00001 and 0.00002; ExAC 0.00002.
gnomAD v4.1: 3 of 1,614,172 alleles (0.00019%); highest among the groups gnomAD compares: Admixed American, 0.005%; no homozygotes.

Submission:

Labcorp Genetics (formerly Invitae), Labcorp
Classification: Uncertain significance. Last evaluated: 2025-06-27. Review status: criteria provided, single submitter. Criteria: Invitae Variant Classification Sherloc (09022015). Collection method: clinical testing. Allele origin: germline.
Comment: This sequence change replaces methionine, which is neutral and non-polar, with lysine, which is basic and polar, at codon 120 of the FZD4 protein (p.Met120Lys). This variant is present in population databases (rs748190939, gnomAD 0.009%). This variant has not been reported in the literature in individuals affected with FZD4-related conditions. ClinVar contains an entry for this variant (Variation ID: 1021075). Invitae Evidence Modeling of protein sequence and biophysical properties (such as structural, functional, and spatial information, amino acid conservation, physicochemical variation, residue mobility, and thermodynamic stability) has been performed for this missense variant. However, the output from this modeling did not meet the statistical confidence thresholds required to predict the impact of this variant on FZD4 protein function. In summary, the available evidence is currently insufficient to determine the role of this variant in disease. Therefore, it has been classified as a Variant of Uncertain Significance.

NM_012193.4(FZD4):c.359T>A (p.Met120Lys)

Genes: FZD4 (frizzled class receptor 4; minus strand), PRSS23 (serine protease 23; plus strand). Cytogenetic location: 11q14.2.
Variant type: single nucleotide variant.
Coding change: c.359T>A on transcript NM_012193.4 (MANE Select); coding-DNA position 359, T replaced by A.
Protein change: p.Met120Lys; replaces methionine 120 with lysine.
Molecular consequence: missense variant. On other transcripts: non-coding transcript variant (2).
Genome position (GRCh38, 1-based): chr11:86,952,397, A>T on the plus strand (T>A on the coding strand, the complement: FZD4 is on the minus strand). VCF-style: chr11-86952397-A-T. GRCh37 (hg19) VCF-style: chr11-86663439-A-T.
Other names: short protein forms M120K.
Identifiers: ClinVar variation 1021075 (VCV001021075.8), dbSNP rs748190939, ClinGen allele CA6218469.
Genomic context (GRCh38, chr11:86,952,397, plus strand): 5'-GGCCAGGCAAATCCAAATTCCTTCAGGACGGGTTCACAGCGTCTCTTGACTGAAAGACAC[A>T]TGCCGCCGCATGGGCCAATGGGGATGTTGATCTTCTCTGTGCACATTGGCACATAAACAG-3'
Protein context (NP_036325.2, residues 110-130): INIPIGPCGG[Met120Lys]CLSVKRRCEP